The following is an entry in ClinVar:

ClinVar aggregate classification (germline): Likely benign. Review status: criteria provided, multiple submitters, no conflicts (2 of 4 stars). 3 submissions from 3 submitters: Likely benign (2). 1 of the submissions does not count toward it. Last evaluated 2026-09-01.

Conditions:
PLEC-related disorder. Also called: PLEC-related disorders; PLEC-related condition.

Submissions (3):

CeGaT Center for Human Genetics Tuebingen
Classification: Likely benign. Last evaluated: 2026-09-01. Review status: criteria provided, single submitter. Criteria: CeGaT Center For Human Genetics Tuebingen Variant Classification Criteria Version 2. Collection method: clinical testing. Allele origin: germline. Affected: yes. Observed: 3 variant alleles.
Comment: PLEC: BS2

Blueprint Genetics
Classification: Likely benign. Last evaluated: 2024-11-23. Review status: criteria provided, single submitter. Criteria: ACMG Guidelines, 2015. Collection method: clinical testing. Allele origin: germline.

PreventionGenetics, part of Exact Sciences
Classification: Likely benign for PLEC-related condition. Last evaluated: 2023-12-04. Review status: no assertion criteria provided. Collection method: clinical testing. Allele origin: germline. Not counted in ClinVar's aggregate classification.
Comment: This variant is classified as likely benign based on ACMG/AMP sequence variant interpretation guidelines (Richards et al. 2015 PMID: 25741868, with internal and published modifications).

NM_201378.4(PLEC):c.71-3711_71-3650del

Genes: PLEC (plectin; minus strand), LOC130001342 (ATAC-STARR-seq lymphoblastoid silent region 19633; plus strand). Cytogenetic location: 8q24.3.
Variant type: Deletion.
Coding change: c.71-3711_71-3650del on transcript NM_201378.4 (MANE Plus Clinical); 3711 bases into the intron before coding-DNA position 71 through 3650 bases into the intron before coding-DNA position 71, 62 bases deleted.
Molecular consequence: intron variant. On other transcripts: splice donor variant (1).
Genome position (GRCh38, 1-based): chr8:143,942,342-143,942,403, 62 bases deleted. GRCh37 (hg19): chr8:145,016,511-145,016,572.
Other names: c.194-3711_194-3650del (NM_001410941.1, NM_000445.5); c.47-3711_47-3650del (NM_201379.3); c.524-3711_524-3650del (NM_201380.4); c.16+2245_16+2306del (NM_201381.3); c.112+1376_112+1437del (NM_201382.4); c.113_124+50del (NM_201383.3).
Identifiers: ClinVar variation 3054175 (VCV003054175.9), dbSNP rs1564189510, ClinGen allele CA585809792.